The following is an entry in ClinVar:

NM_080425.4(GNAS):c.480_494del (p.Ala161_Glu165del)

Gene: GNAS (GNAS complex locus; plus strand). Cytogenetic location: 20q13.32.
Variant type: Deletion.
Coding change: c.480_494del on transcript NM_080425.4 (MANE Plus Clinical); coding-DNA positions 480 to 494, 15 bases deleted (AGCTATGCCCTTTGA).
Protein change: p.Ala161_Glu165del.
Molecular consequence: inframe deletion. On other transcripts: intron variant (3).
Genome position (GRCh38, 1-based): chr20:58,853,745-58,853,759, AGCTATGCCCTTTGA deleted; deleting any 15 consecutive bases within chr20:58,853,743-58,853,759 gives the same sequence; the c. name uses the placement nearest the transcript's 3' end. VCF-style (leftmost placement, unchanged base first): chr20-58853742-AGAAGCTATGCCCTTT-A. GRCh37 (hg19) VCF-style: chr20-57428797-AGAAGCTATGCCCTTT-A.
Other names: c.293_307del, p.Lys98_Leu102del (NM_001077490.3, NM_001309883.1); c.480_494del, p.Ala161_Glu165del (NM_001410913.1); c.*42+12859_*42+12873del (NM_016592.5); c.43+12859_43+12873del (NM_001410912.1); c.-39+11870_-39+11884del (NM_001309861.2).
Identifiers: ClinVar variation 4993079 (VCV004993079.1).
Genomic context (GRCh38, chr20:58,853,742, plus strand): 5'-GGAGCCCGGAGCCTTCAGTGGTGCCAGACCAGGCCTGGGAGGATACAGCCCTCCACCAGA[AGAAGCTATGCCCTTT>A]GAGTTTGACCAGCCTGCCCAGAGAGGCTGCAGTCAACTTCTCTTACAGGTCCCAGACCTT-3'

ClinVar aggregate classification (germline): Uncertain significance (1 of 4 stars; one submission).

Conditions:
GNAS-related disorder. Identifiers: MedGen CN380105.

Submission:

PreventionGenetics, part of Exact Sciences
Classification: Uncertain significance for GNAS-related condition. Last evaluated: 2026-06-05. Review status: criteria provided, single submitter. Criteria: ACMG Guidelines, 2015. Collection method: clinical testing. Allele origin: germline.
Comment: The GNAS c.480_494del15 variant is predicted to result in an in-frame deletion (p.Ala161_Glu165del). To our knowledge, this variant has not been reported in the literature or in a large population database (gnomAD), indicating this variant is rare. At this time, the clinical significance of this variant is uncertain due to the absence of conclusive functional and genetic evidence.